The following is an entry in ClinVar:

ClinVar aggregate classification (germline): Uncertain significance (1 of 4 stars; one submission).

Submission:

Labcorp Genetics (formerly Invitae), Labcorp
Classification: Uncertain significance. Last evaluated: 2021-05-16. Review status: criteria provided, single submitter. Criteria: Invitae Variant Classification Sherloc (09022015). Collection method: clinical testing. Allele origin: germline.
Comment: Algorithms developed to predict the effect of sequence changes on RNA splicing suggest that this variant may create or strengthen a splice site, but this prediction has not been confirmed by published transcriptional studies. Algorithms developed to predict the effect of missense changes on protein structure and function (SIFT, PolyPhen-2, Align-GVGD) all suggest that this variant is likely to be tolerated, but these predictions have not been confirmed by published functional studies and their clinical significance is uncertain. This variant has not been reported in the literature in individuals with CEP135-related conditions. This variant is not present in population databases (ExAC no frequency). This sequence change replaces alanine with valine at codon 543 of the CEP135 protein (p.Ala543Val). The alanine residue is moderately conserved and there is a small physicochemical difference between alanine and valine. In summary, the available evidence is currently insufficient to determine the role of this variant in disease. Therefore, it has been classified as a Variant of Uncertain Significance.

NM_025009.5(CEP135):c.1628C>T (p.Ala543Val)

Gene: CEP135 (centrosomal protein 135; plus strand). Cytogenetic location: 4q12.
Variant type: single nucleotide variant.
Coding change: c.1628C>T on transcript NM_025009.5 (MANE Select); coding-DNA position 1628, C replaced by T.
Protein change: p.Ala543Val; replaces alanine 543 with valine.
Molecular consequence: missense variant.
Genome position (GRCh38, 1-based): chr4:55,981,228, C>T. VCF-style: chr4-55981228-C-T. GRCh37 (hg19) VCF-style: chr4-56847394-C-T.
Other names: short protein forms A543V.
Identifiers: ClinVar variation 1353973 (VCV001353973.8), dbSNP rs2109684352, ClinGen allele CA356990482.